The following is an entry in ClinVar:

NM_014244.5(ADAMTS2):c.92_93insATGGCCAC (p.Pro32fs)

Gene: ADAMTS2 (ADAM metallopeptidase with thrombospondin type 1 motif 2; minus strand). Cytogenetic location: 5q35.3.
Variant type: Insertion.
Coding change: c.92_93insATGGCCAC on transcript NM_014244.5 (MANE Select); coding-DNA positions 92 to 93, ATGGCCAC inserted.
Protein change: p.Pro32fs; shifts the reading frame from proline 32.
Molecular consequence: frameshift variant.
Genome position: GRCh38 VCF-style: chr5-179345236-C-CGTGGCCAT. GRCh37 (hg19) VCF-style: chr5-178772237-C-CGTGGCCAT.
Other names: c.92_93insATGGCCAC, p.Pro32fs (NM_021599.4); short protein forms P32fs.
Identifiers: ClinVar variation 5011668 (VCV005011668.1).

ClinVar aggregate classification (germline): Pathogenic (1 of 4 stars; one submission).

Conditions:
Ehlers-Danlos syndrome, dermatosparaxis type. Also called: EDS VIIC; Dermatosparaxis; Ehlers-Danlos syndrome, type VII, autosomal recessive. Identifiers: Orphanet 1901, MedGen C2700425, MONDO:0009161, OMIM 225410.

Submission:

Myriad Genetics, Inc.
Classification: Pathogenic for Ehlers-Danlos syndrome, dermatosparaxis type. Last evaluated: 2023-09-14. Review status: criteria provided, single submitter. Criteria: Myriad Autosomal Dominant, Autosomal Recessive and X-Linked Classification Criteria (2023). Collection method: clinical testing. Allele origin: unknown.
Comment: NM_014244.4(ADAMTS2):c.92_93ins8(P32Wfs*136) is expected to be pathogenic in the context of Ehlers-Danlos syndrome, ADAMTS2-related. This variant is predicted to lead to an abnormal or absent protein product due to the creation of a premature termination codon in ADAMTS2, a gene where loss-of-function variants are known to be pathogenic. Please note: this variant was assessed in the context of healthy population screening.